The following is an entry in ClinVar:

NM_001184880.2(PCDH19):c.106G>A (p.Gly36Arg)

Gene: PCDH19 (protocadherin 19; minus strand). Cytogenetic location: Xq22.1.
Variant type: single nucleotide variant.
Coding change: c.106G>A on transcript NM_001184880.2 (MANE Select); coding-DNA position 106, G replaced by A.
Protein change: p.Gly36Arg; replaces glycine 36 with arginine.
Molecular consequence: missense variant.
Genome position (GRCh38, 1-based): chrX:100,408,492, C>T on the plus strand (G>A on the coding strand, the complement: PCDH19 is on the minus strand). VCF-style: chrX-100408492-C-T. GRCh37 (hg19) VCF-style: chrX-99663490-C-T.
Other names: c.106G>A (NM_001184880.1); c.106G>A, p.Gly36Arg (NM_001105243.2, NM_020766.3); short protein forms G36R.
Identifiers: ClinVar variation 2146872 (VCV002146872.6), dbSNP rs1928479255, ClinGen allele CA414011362.

ClinVar aggregate classification (germline): Uncertain significance. Review status: criteria provided, multiple submitters, no conflicts (2 of 4 stars). 2 submissions from 2 submitters: Uncertain significance (2). Last evaluated 2024-12-19.

Conditions:
Developmental and epileptic encephalopathy, 9 (DEE9). Also called: EPILEPSY, FEMALE-RESTRICTED, WITH MENTAL RETARDATION; JUBERG-HELLMAN SYNDROME; PCDH19-Related X-Linked Female-Limited Epilepsy with Mental Retardation; Early infantile epileptic encephalopathy 9. Identifiers: Orphanet 101039, Orphanet 2076, MedGen C1848137, MONDO:0010246, OMIM 300088. Disease mechanism: loss of function.

Allele frequency attached by ClinVar (database versions not stated): gnomAD exomes below 0.00001; gnomAD 0.00001; TOPMed 0.00001.
gnomAD v4.1: 2 of 1,200,658 alleles (0.00017%); highest among the groups gnomAD compares: Non-Finnish European, 0.00022%; no homozygotes.

Submissions (2):

Labcorp Genetics (formerly Invitae), Labcorp
Classification: Uncertain significance for Developmental and epileptic encephalopathy, 9. Last evaluated: 2024-12-19. Review status: criteria provided, single submitter. Criteria: Invitae Variant Classification Sherloc (09022015). Collection method: clinical testing. Allele origin: germline.
Comment: This sequence change replaces glycine, which is neutral and non-polar, with arginine, which is basic and polar, at codon 36 of the PCDH19 protein (p.Gly36Arg). This variant is not present in population databases (gnomAD no frequency). This variant has not been reported in the literature in individuals affected with PCDH19-related conditions. ClinVar contains an entry for this variant (Variation ID: 2146872). Invitae Evidence Modeling of protein sequence and biophysical properties (such as structural, functional, and spatial information, amino acid conservation, physicochemical variation, residue mobility, and thermodynamic stability) indicates that this missense variant is expected to disrupt PCDH19 protein function with a positive predictive value of 95%. In summary, the available evidence is currently insufficient to determine the role of this variant in disease. Therefore, it has been classified as a Variant of Uncertain Significance.

GeneDx
Classification: Uncertain significance. Last evaluated: 2024-03-22. Review status: criteria provided, single submitter. Criteria: GeneDx Variant Classification Process June 2021. Collection method: clinical testing. Allele origin: germline.
Comment: Not observed at significant frequency in large population cohorts (gnomAD); In silico analysis supports that this missense variant has a deleterious effect on protein structure/function; Has not been previously published as pathogenic or benign to our knowledge